The following is an entry in ClinVar:

NM_000051.4(ATM):c.5497-2A>C

Gene: ATM (ATM serine/threonine kinase; plus strand). Cytogenetic location: 11q22.3.
Variant type: single nucleotide variant.
Coding change: c.5497-2A>C on transcript NM_000051.4 (MANE Select); the canonical splice acceptor site of the intron before coding-DNA position 5497, A replaced by C.
Molecular consequence: splice acceptor variant.
Genome position (GRCh38, 1-based): chr11:108,304,673, A>C. VCF-style: chr11-108304673-A-C. GRCh37 (hg19) VCF-style: chr11-108175400-A-C.
Other names: c.5497-2A>C (NM_001351834.2).
Identifiers: ClinVar variation 449345 (VCV000449345.40), dbSNP rs786203796, ClinGen allele CA382545605.

ClinVar aggregate classification (germline): Pathogenic/Likely pathogenic. Review status: criteria provided, multiple submitters, no conflicts (2 of 4 stars). 16 submissions from 16 submitters: Pathogenic (13); Likely pathogenic (1). 2 of the submissions do not count toward it. Last evaluated 2026-08-28.

Conditions:
Hereditary cancer-predisposing syndrome. Also called: Hereditary Cancer Syndrome; Hereditary neoplastic syndrome; Neoplastic Syndromes, Hereditary; Tumor predisposition. Identifiers: Orphanet 140162, MedGen C0027672, MeSH D009386, MONDO:0015356.
Hereditary breast ovarian cancer syndrome. Also called: Breast and ovarian cancer; Hereditary breast and ovarian cancer syndrome (HBOC); Hereditary breast and ovarian cancer syndrome; Hereditary breast and/or ovarian cancer syndrome; BRCA1- and BRCA2-Associated Hereditary Breast and Ovarian Cancer; Hereditary breast and ovarian cancer. Identifiers: Orphanet 145, MedGen C0677776, MeSH D061325, MONDO:0003582. Disease mechanism: loss of function.
Ataxia-telangiectasia syndrome (AT). Also called: Ataxia-telangiectasia, complementation group E; LOUIS-BAR SYNDROME; Cerebello-oculocutaneous telangiectasia; Immunodeficiency with ataxia telangiectasia; Ataxia-telangiectasia, complementation group D; AT, COMPLEMENTATION GROUP C. Identifiers: Orphanet 100, MedGen C0004135, MONDO:0008840, OMIM 208900.
Breast cancer, susceptibility to. Identifiers: MedGen C3469522. Disease mechanism: gain of function.
Ovarian cancer, susceptibility to, 1 (OVCAS1). Also called: Ovarian cancer 1. Identifiers: MedGen C2675601, MONDO:0011931, OMIM 607893.
Prostate cancer susceptibility. Also called: PROSTATE CANCER, SUSCEPTIBILITY TO. Identifiers: MedGen C3469524.
Pancreatic Cancer Susceptibility 4. Identifiers: MedGen CN229775.
Breast-ovarian cancer, familial, susceptibility to, 1 (BROVCA1). Also called: OVARIAN CANCER, SUSCEPTIBILITY TO; BRCA1 Hereditary Breast and Ovarian Cancer. Identifiers: Orphanet 145, MedGen C2676676, MONDO:0011450, OMIM 604370. Disease mechanism: loss of function.
Familial cancer of breast. Also called: BREAST CANCER, FAMILIAL; Hereditary breast cancer; hereditary breast carcinoma. Identifiers: Orphanet 227535, MedGen C0346153, MONDO:0016419, OMIM 114480. Disease mechanism: loss of function.

gnomAD v4.1: 3 of 1,613,248 alleles (0.00019%); highest among the groups gnomAD compares: Non-Finnish European, 0.00025%; no homozygotes.

Submissions 1 to 9 of 17:

Myriad Genetics, Inc.
Classification: Pathogenic for Familial cancer of breast. Last evaluated: 2026-08-28. Review status: criteria provided, single submitter. Criteria: Myriad Autosomal Dominant, Autosomal Recessive and X-Linked Classification Criteria (2023). Collection method: clinical testing. Allele origin: unknown.
Comment: This variant is considered pathogenic. This variant occurs within a consensus splice junction and is predicted to result in abnormal mRNA splicing of either an out-of-frame exon or an in-frame exon necessary for protein stability and/or normal function. mRNA analysis has demonstrated abnormal mRNA splicing occurs [PMID: 21665257, 10330348, 31843900, 14695534]. Functional studies indicate this variant impacts protein function [PMID: 14695534, 40580951]. This variant has been reported in multiple individuals with clinical features of gene-specific disease [PMID: 29906526, 21665257,14695534, 10330348, 31843900, 30772474, 37438524].

Color Diagnostics, LLC DBA Color Health
Classification: Pathogenic for Hereditary cancer-predisposing syndrome. Last evaluated: 2025-09-22. Review status: criteria provided, single submitter. Criteria: ACMG Guidelines, 2015. Collection method: clinical testing. Allele origin: germline.
Comment: This variant (also known as IVS38-2A>C in the literature) causes an A to C nucleotide substitution at the -2 position of intron 36 of the ATM gene. RNA studies have shown that this variant causes the deletion of the first 61 nucleotides of exon 37 in the RNA transcript, creating a frameshift and premature translation stop signal (PMID: 10330348, 14695534, 31843900). The aberrant RNA transcript is expected to result in an absent or disrupted protein product. This variant has been reported in the homozygous state or compound heterozygous state with an additional pathogenic ATM variant in individuals affected with ataxia telangiectasia (PMID: 10330348, 14695534, 21665257). This variant has also been reported in an individual affected with breast cancer (PMID: 32125938). This variant has not been identified in the general population by the Genome Aggregation Database (gnomAD). Loss of ATM function is a known mechanism of disease. Based on the available evidence, this variant is classified as Pathogenic.

Labcorp Genetics (formerly Invitae), Labcorp
Classification: Pathogenic for Ataxia-telangiectasia syndrome. Last evaluated: 2025-09-03. Review status: criteria provided, single submitter. Criteria: Invitae Variant Classification Sherloc (09022015). Collection method: clinical testing. Allele origin: germline.
Comment: This sequence change affects an acceptor splice site in intron 36 of the ATM gene. RNA analysis indicates that disruption of this splice site induces altered splicing and may result in an absent or altered protein product. This variant is not present in population databases (gnomAD no frequency). Disruption of this splice site has been observed in individual(s) with ataxia-telangiectasia (PMID: 10330348). This variant is also known as IVS38-2A>C. ClinVar contains an entry for this variant (Variation ID: 449345). Studies have shown that disruption of this splice site results in activation of a cryptic splice site, and produces a non-functional protein and/or introduces a premature termination codon (PMID: 10330348, 31843900; internal data). For these reasons, this variant has been classified as Pathogenic.

Institute of Immunology and Genetics Kaiserslautern
Classification: Pathogenic for Breast-ovarian cancer, familial, susceptibility to, 1. Last evaluated: 2025-07-31. Review status: criteria provided, single submitter. Criteria: ACMG Guidelines, 2015. Collection method: clinical testing. Allele origin: germline. Affected: yes.
Comment: ACMG Criteria: PVS1, PS4, PM2, PM3, PP1, PP3, PP4, PP5.

Natera, Inc.
Classification: Pathogenic for Ataxia-telangiectasia. Last evaluated: 2024-10-25. Review status: criteria provided, single submitter. Criteria: Natera Variant Classification Schema (03/2026). Collection method: clinical testing. Allele origin: germline.
Comment: The c.5497-2A>C variant in ATM is a canonical splice acceptor site variant predicted to affect pre-mRNA splicing, which may result in an abnormal transcript and altered protein product. This variant is expected to result in nonsense mediated decay, truncation, or a dysfunctional protein product. This variant is rare in the general population with a frequency below the threshold expected for the associated phenotype(s). Another variant at this same site results in an alteration predicted to cause a similar molecular effect has been observed in individual(s) with the associated phenotype. Given the available evidence, this variant is classified as Pathogenic.

Quest Diagnostics Nichols Institute San Juan Capistrano
Classification: Pathogenic. Last evaluated: 2024-04-18. Review status: criteria provided, single submitter. Criteria: Quest Diagnostics criteria. Collection method: clinical testing. Allele origin: unknown.
Comment: The ATM c.5497-2A>C variant disrupts a canonical splice-acceptor site and interferes with normal ATM mRNA splicing. This variant has been reported in the published literature in individuals with breast cancer (PMID: 32125938 (2020)) and ataxia-telangiectasia (PMIDs: 21665257 (2011), 14695534 (2004), 10330348 (1999)). The frequency of this variant in the general population, 0.0000066 (1/152164 chromosomes (Genome Aggregation Database)), is consistent with pathogenicity. Based on the available information, this variant is classified as pathogenic.

Baylor Genetics
Classification: Pathogenic for Familial cancer of breast. Last evaluated: 2024-02-26. Review status: criteria provided, single submitter. Criteria: ACMG Guidelines, 2015. Collection method: clinical testing. Allele origin: unknown.

German Consortium for Hereditary Breast and Ovarian Cancer, University Hospital Cologne
Classification: Pathogenic for Hereditary breast ovarian cancer syndrome. Last evaluated: 2024-01-08. Review status: criteria provided, single submitter. Criteria: ACMG Guidelines, 2015. Collection method: curation. Allele origin: germline.
Comment: According to the ACMG standard criteria we chose these criteria: PVS1 (very strong pathogenic): ClinGen Interpretation Guidelines for ATM Version 1.1: PVS1_very strong [experimental data for NMD (list A)] The c.5497-2A>C intronic pathogenic mutation results from an A to C substitution two nucleotides upstream from coding exon 36 in the ATM gene, PS3 (strong pathogenic): RNA studies have demonstrated that this alteration results in abnormal splicing in the set of samples tested (Casadei S et al. Proc. Natl. Acad. Sci. U.S.A., 2019 Dec, Teraoka et al. Am. J. Hum. Genet. 1999 Jun;64(6):1617-31, and Ambry Genetics internal data)., PM2 (supporting pathogenic): ClinGen Interpretation Guidelines for ATM Version 1.1: PM2_supporting [absent/rare from controls]

GeneDx
Classification: Pathogenic. Last evaluated: 2023-10-03. Review status: criteria provided, single submitter. Criteria: GeneDx Variant Classification Process June 2021. Collection method: clinical testing. Allele origin: germline. Affected: yes.
Comment: Canonical splice site variant demonstrated to result in a null allele through the use of cryptic splice site leading to premature stop codon in a gene for which loss of function is a known mechanism of disease (Teraoka et al., 1999; Casadei et al., 2019); Observed in individuals with early onset breast cancer and other cancers (Renault et al., 2018; Casadei et al., 2019); Not observed at significant frequency in large population cohorts (gnomAD); Also known as IVS38-2A>C; This variant is associated with the following publications: (PMID: 31589614, 34687117, 26837699, 25525159, 30303537, 31843900, 10330348, 29665859)